The following is an entry in ClinVar:

ClinVar aggregate classification (germline): Pathogenic/Likely pathogenic. Review status: criteria provided, multiple submitters, no conflicts (2 of 4 stars). 2 submissions from 2 submitters: Pathogenic (1); Likely pathogenic (1). Last evaluated 2026-08-01.

Submissions (2):

CeGaT Center for Human Genetics Tuebingen
Classification: Pathogenic. Last evaluated: 2026-08-01. Review status: criteria provided, single submitter. Criteria: CeGaT Center For Human Genetics Tuebingen Variant Classification Criteria Version 2. Collection method: clinical testing. Allele origin: germline. Affected: yes. Observed: 2 variant alleles.
Comment: MYO6: PVS1, PM2

Labcorp Genetics (formerly Invitae), Labcorp
Classification: Likely pathogenic. Last evaluated: 2025-06-22. Review status: criteria provided, single submitter. Criteria: Invitae Variant Classification Sherloc (09022015). Collection method: clinical testing. Allele origin: germline.
Comment: This sequence change affects a donor splice site in intron 8 of the MYO6 gene. It is expected to disrupt RNA splicing. Variants that disrupt the donor or acceptor splice site typically lead to a loss of protein function (PMID: 16199547), and loss-of-function variants in MYO6 are known to be pathogenic (PMID: 12687499, 18348273, 23767834, 25999546, 30582396). This variant is not present in population databases (gnomAD no frequency). This variant has not been reported in the literature in individuals affected with MYO6-related conditions. Algorithms developed to predict the effect of sequence changes on RNA splicing suggest that this variant may disrupt the consensus splice site. In summary, the currently available evidence indicates that the variant is pathogenic, but additional data are needed to prove that conclusively. Therefore, this variant has been classified as Likely Pathogenic.

Literature cited by the submitters: PubMed 16199547 (cited by Labcorp Genetics (formerly Invitae), Labcorp); PubMed 12687499 (cited by Labcorp Genetics (formerly Invitae), Labcorp); PubMed 18348273 (cited by Labcorp Genetics (formerly Invitae), Labcorp); PubMed 23767834 (cited by Labcorp Genetics (formerly Invitae), Labcorp); PubMed 25999546 (cited by Labcorp Genetics (formerly Invitae), Labcorp); PubMed 30582396 (cited by Labcorp Genetics (formerly Invitae), Labcorp).

NM_004999.4(MYO6):c.651+1G>C

Gene: MYO6 (myosin VI; plus strand). Cytogenetic location: 6q14.1.
Variant type: single nucleotide variant.
Coding change: c.651+1G>C on transcript NM_004999.4 (MANE Select); the canonical splice donor site of the intron after coding-DNA position 651, G replaced by C.
Molecular consequence: splice donor variant.
Genome position (GRCh38, 1-based): chr6:75,840,683, G>C. VCF-style: chr6-75840683-G-C. GRCh37 (hg19) VCF-style: chr6-76550400-G-C.
Other names: c.651+1G>C (NM_001368865.1, NM_001368866.1, NM_001368137.1 and 4 more transcripts); c.636+1G>C (NM_001368138.1).
Identifiers: ClinVar variation 4721815 (VCV004721815.2).